The following is an entry in ClinVar:

ClinVar aggregate classification (germline): Likely benign. Review status: criteria provided, multiple submitters, no conflicts (2 of 4 stars). 4 submissions from 4 submitters: Likely benign (4). Last evaluated 2025-07-01.

Conditions:
Familial thoracic aortic aneurysm and aortic dissection (TAAD). Also called: Thoracic aortic aneurysms and dissections. Identifiers: Orphanet 91387, MedGen C4707243, MONDO:0019625.
Aortic aneurysm, familial thoracic 7 (AAT7). Also called: AORTIC DISSECTION, FAMILIAL, WITH OR WITHOUT AORTIC ANEURYSM. Identifiers: MedGen C3151077, MONDO:0013418, OMIM 613780.

Allele frequency attached by ClinVar (database versions not stated): gnomAD 0.00001 and 0.00002; TOPMed 0.00001; ExAC 0.00002; gnomAD exomes 0.00002 and 0.00003.
gnomAD v4.1: 17 of 1,613,882 alleles (0.0011%); highest among the groups gnomAD compares: East Asian, 0.0022%; no homozygotes.

Submissions (4):

CeGaT Center for Human Genetics Tuebingen
Classification: Likely benign. Last evaluated: 2025-07-01. Review status: criteria provided, single submitter. Criteria: CeGaT Center For Human Genetics Tuebingen Variant Classification Criteria Version 2. Collection method: clinical testing. Allele origin: germline. Affected: yes. Observed: 2 variant alleles.
Comment: MYLK: BP4, BP7

Labcorp Genetics (formerly Invitae), Labcorp
Classification: Likely benign for Aortic aneurysm, familial thoracic 7. Last evaluated: 2024-12-30. Review status: criteria provided, single submitter. Criteria: Invitae Variant Classification Sherloc (09022015). Collection method: clinical testing. Allele origin: germline.

ARUP Laboratories, Molecular Genetics and Genomics, ARUP Laboratories
Classification: Likely benign. Last evaluated: 2024-07-01. Review status: criteria provided, single submitter. Criteria: ARUP Molecular Germline Variant Investigation Process 2024. Collection method: clinical testing. Allele origin: germline.

Ambry Genetics
Classification: Likely benign for Familial thoracic aortic aneurysm and aortic dissection. Last evaluated: 2023-10-06. Review status: criteria provided, single submitter. Criteria: Ambry Variant Classification Scheme 2023. Collection method: clinical testing. Allele origin: germline.

NM_053025.4(MYLK):c.4656C>T (p.Asp1552=)

Gene: MYLK (myosin light chain kinase; minus strand). Cytogenetic location: 3q21.1.
Variant type: single nucleotide variant.
Coding change: c.4656C>T on transcript NM_053025.4 (MANE Select); coding-DNA position 4656, C replaced by T.
Protein change: p.Asp1552=; no amino-acid change (aspartic acid 1552 retained).
Molecular consequence: synonymous variant.
Genome position (GRCh38, 1-based): chr3:123,640,468, G>A on the plus strand (C>T on the coding strand, the complement: MYLK is on the minus strand). VCF-style: chr3-123640468-G-A. GRCh37 (hg19) VCF-style: chr3-123359315-G-A.
Other names: c.4128C>T, p.Asp1376= (NM_001321309.2); c.4449C>T, p.Asp1483= (NM_053026.4, NM_053028.4); c.4656C>T, p.Asp1552= (NM_053027.4); c.4656C>T (NM_053025.3).
Identifiers: ClinVar variation 1335539 (VCV001335539.42), dbSNP rs749367561, ClinGen allele CA071963.
Genomic context (GRCh38, chr3:123,640,468, plus strand): 5'-TCCCTCCGAGATCTGCCGCATGTACTTGATGCACTCACGCTCCGTCAGCTCAAAGTCCTC[G>A]TCAATGATGCGCTCAAACAGCTCCCCTCCTGACACGCTGCGGGAACACGTGCACGGGGTG-3'
Protein context (NP_444253.3, residues 1542-1562): SGGELFERII[Asp1552=]EDFELTEREC